The following is an entry in ClinVar:

ClinVar aggregate classification (germline): Uncertain significance (1 of 4 stars; one submission).

Conditions:
Familial thoracic aortic aneurysm and aortic dissection (TAAD). Also called: Thoracic aortic aneurysms and dissections. Identifiers: Orphanet 91387, MedGen C4707243, MONDO:0019625.

Allele frequency attached by ClinVar (database versions not stated): gnomAD exomes below 0.00001; ExAC 0.00001.
gnomAD v4.1: 1 of 1,614,096 alleles (0.000062%); highest among the groups gnomAD compares: South Asian, 0.0011%; no homozygotes.

Submission:

Color Diagnostics, LLC DBA Color Health
Classification: Uncertain significance for Familial thoracic aortic aneurysm and aortic dissection. Last evaluated: 2019-04-08. Review status: criteria provided, single submitter. Criteria: ACMG Guidelines, 2015. Collection method: clinical testing. Allele origin: germline.
Comment: This missense variant replaces proline with serine at codon 970 of the FBN1 protein. Computational prediction tools and conservation analyses are inconclusive regarding the impact of this variant on the protein function. Computational splicing tools suggest that this variant may not impact RNA splicing. To our knowledge, functional assays have not been performed for this variant nor has this variant been reported in individuals affected with cardiovascular disorders in the literature. This variant has been identified in 1/251464 chromosomes in the general population by the Genome Aggregation Database (gnomAD). Available evidence is insufficient to determine the role of this variant in disease conclusively. Therefore, this variant is classified as a Variant of Uncertain Significance.

NM_000138.5(FBN1):c.2908C>T (p.Pro970Ser)

Gene: FBN1 (fibrillin 1; minus strand). Cytogenetic location: 15q21.1.
Variant type: single nucleotide variant.
Coding change: c.2908C>T on transcript NM_000138.5 (MANE Select); coding-DNA position 2908, C replaced by T.
Protein change: p.Pro970Ser; replaces proline 970 with serine.
Molecular consequence: missense variant.
Genome position (GRCh38, 1-based): chr15:48,490,025, G>A on the plus strand (C>T on the coding strand, the complement: FBN1 is on the minus strand). VCF-style: chr15-48490025-G-A. GRCh37 (hg19) VCF-style: chr15-48782222-G-A.
Other names: short protein forms P970S.
Identifiers: ClinVar variation 630592 (VCV000630592.4), dbSNP rs755462838, ClinGen allele CA049323.